The following is an entry in ClinVar:

ClinVar aggregate classification (germline): Uncertain significance (1 of 4 stars; one submission).

Conditions:
Dilated cardiomyopathy 1G (CMD1G). Identifiers: Orphanet 154, MedGen C1858763, MONDO:0011400, OMIM 604145.
Autosomal recessive limb-girdle muscular dystrophy type 2J (LGMDR10). Also called: Limb-girdle muscular dystrophy, type 2J; MUSCULAR DYSTROPHY, LIMB-GIRDLE, AUTOSOMAL RECESSIVE 10. Identifiers: Orphanet 140922, MedGen C1837342, MONDO:0012127, OMIM 608807.

Submission:

Labcorp Genetics (formerly Invitae), Labcorp
Classification: Uncertain significance for Dilated cardiomyopathy 1G; Autosomal recessive limb-girdle muscular dystrophy type 2J. Last evaluated: 2022-08-23. Review status: criteria provided, single submitter. Criteria: Invitae Variant Classification Sherloc (09022015). Collection method: clinical testing. Allele origin: germline.
Comment: This sequence change replaces glutamic acid, which is acidic and polar, with lysine, which is basic and polar, at codon 34376 of the TTN protein (p.Glu34376Lys). This variant is not present in population databases (gnomAD no frequency). This variant has not been reported in the literature in individuals affected with TTN-related conditions. Experimental studies and prediction algorithms are not available or were not evaluated, and the functional significance of this variant is currently unknown. In summary, the available evidence is currently insufficient to determine the role of this variant in disease. Therefore, it has been classified as a Variant of Uncertain Significance. This variant is located in the M band of TTN (PMID: 25589632). Variants in this region may be relevant for neuromuscular disorders, but have not been definitively shown to cause cardiomyopathy (PMID: 23975875).

Literature cited by the submitters: PubMed 25589632; PubMed 23975875.

NM_001267550.2(TTN):c.103126G>A (p.Glu34376Lys)

Genes: TTN (titin; minus strand), TTN-AS1 (TTN antisense RNA 1; plus strand). Cytogenetic location: 2q31.2.
Variant type: single nucleotide variant.
Coding change: c.103126G>A on transcript NM_001267550.2 (MANE Select); coding-DNA position 103126, G replaced by A.
Protein change: p.Glu34376Lys; replaces glutamic acid 34376 with lysine.
Molecular consequence: missense variant.
Genome position (GRCh38, 1-based): chr2:178,533,489, C>T on the plus strand (G>A on the coding strand, the complement: TTN is on the minus strand). VCF-style: chr2-178533489-C-T. GRCh37 (hg19) VCF-style: chr2-179398216-C-T.
Other names: c.98203G>A, p.Glu32735Lys (NM_001256850.1); c.95422G>A, p.Glu31808Lys (NM_133378.4); c.76306G>A, p.Glu25436Lys (NM_133432.3); c.76507G>A, p.Glu25503Lys (NM_133437.4); c.75931G>A, p.Glu25311Lys (NM_003319.4); short protein forms E25311K, E25436K, E32735K, E25503K, E31808K, E34376K.
Identifiers: ClinVar variation 1941200 (VCV001941200.5), dbSNP rs2468495707, ClinGen allele CA349415086.